The following is an entry in ClinVar:

ClinVar aggregate classification (germline): Benign (1 of 4 stars; one submission).

Conditions:
Osteogenesis imperfecta type 10 (OI10). Also called: OI, TYPE X. Identifiers: Orphanet 666, MedGen C3151211, MONDO:0013459, OMIM 613848.

Allele frequency attached by ClinVar (database versions not stated): gnomAD 0.00081 and 0.00115; 1000 Genomes Project 0.00639; TOPMed 0.00135; 1000 Genomes Project 30x 0.00656.

Submission:

Illumina Laboratory Services, Illumina
Classification: Benign for Osteogenesis imperfecta type 10. Last evaluated: 2018-01-12. Review status: criteria provided, single submitter. Criteria: ICSL Variant Classification Criteria 13 December 2019. Collection method: clinical testing. Allele origin: germline.
Comment: This variant was observed in the ICSL laboratory as part of a predisposition screen in an ostensibly healthy population. It had not been previously curated by ICSL or reported in the Human Gene Mutation Database (HGMD: prior to June 1st, 2018), and was therefore a candidate for classification through an automated scoring system. Utilizing variant allele frequency, disease prevalence and penetrance estimates, and inheritance mode, an automated score was calculated to assess if this variant is too frequent to cause the disease. Based on the score and internal cut-off values, a variant classified as benign is not then subjected to further curation. The score for this variant resulted in a classification of benign for this disease.

NM_001235.3(SERPINH1):c.-189G>A

Gene: SERPINH1 (serpin family H member 1; plus strand). Cytogenetic location: 11q13.5.
Variant type: single nucleotide variant.
Coding change: c.-189G>A on transcript NM_001235.3; 189 bases upstream of the start codon, G replaced by A.
Genome position (GRCh38, 1-based): chr11:75,562,165, G>A. VCF-style: chr11-75562165-G-A. GRCh37 (hg19) VCF-style: chr11-75273210-G-A.
Identifiers: ClinVar variation 306093 (VCV000306093.7), dbSNP rs185295615, ClinGen allele CA10635665.